The following is an entry in ClinVar:

NM_001267550.2(TTN):c.14911T>G (p.Cys4971Gly)

Gene: TTN (titin; minus strand). Cytogenetic location: 2q31.2.
Variant type: single nucleotide variant.
Coding change: c.14911T>G on transcript NM_001267550.2 (MANE Select); coding-DNA position 14911, T replaced by G.
Protein change: p.Cys4971Gly; replaces cysteine 4971 with glycine.
Molecular consequence: missense variant. On other transcripts: intron variant (3).
Genome position (GRCh38, 1-based): chr2:178,735,535, A>C on the plus strand (T>G on the coding strand, the complement: TTN is on the minus strand). VCF-style: chr2-178735535-A-C. GRCh37 (hg19) VCF-style: chr2-179600262-A-C.
Other names: p.C4654G:TGC>GGC; c.13960T>G, p.Cys4654Gly (NM_001256850.1); c.11179T>G, p.Cys3727Gly (NM_133378.4); c.13282+2547T>G (NM_003319.4); c.13858+2547T>G (NM_133437.4); c.13657+2547T>G (NM_133432.3); short protein forms C4654G, C4971G, C3727G.
Identifiers: ClinVar variation 203242 (VCV000203242.23), dbSNP rs537312655, ClinGen allele CA206732.

ClinVar aggregate classification (germline): Conflicting classifications of pathogenicity. Review status: criteria provided, conflicting classifications (1 of 4 stars). 8 submissions from 8 submitters: Uncertain significance (2); Benign (1); Likely benign (3). 2 of the submissions do not count toward it. Last evaluated 2026-01-28.

Conditions:
TTN-related disorder. Also called: TTN-related condition; TTN-related disease; TTN-related disorders.
Dilated cardiomyopathy 1G (CMD1G). Identifiers: Orphanet 154, MedGen C1858763, MONDO:0011400, OMIM 604145.
Autosomal recessive limb-girdle muscular dystrophy type 2J (LGMDR10). Also called: Limb-girdle muscular dystrophy, type 2J; MUSCULAR DYSTROPHY, LIMB-GIRDLE, AUTOSOMAL RECESSIVE 10. Identifiers: Orphanet 140922, MedGen C1837342, MONDO:0012127, OMIM 608807.
Cardiomyopathy (CMYO). Also called: Cardiomyopathies. Identifiers: Orphanet 167848, MedGen C0878544, MONDO:0004994, HP:0001638. Inheritance: Various modes of inheritance.

Allele frequency attached by ClinVar (database versions not stated): gnomAD exomes 0.00008 and 0.00044; gnomAD 0.00042 and 0.00043; TOPMed 0.00047; ExAC 0.00048.
gnomAD v4.1: 186 of 1,594,258 alleles (0.012%); highest among the groups gnomAD compares: Admixed American, 0.29%; 2 homozygotes.

Submissions (8):

Labcorp Genetics (formerly Invitae), Labcorp
Classification: Likely benign for Dilated cardiomyopathy 1G; Autosomal recessive limb-girdle muscular dystrophy type 2J. Last evaluated: 2026-01-28. Review status: criteria provided, single submitter. Criteria: Invitae Variant Classification Sherloc (09022015). Collection method: clinical testing. Allele origin: germline.

PreventionGenetics, part of Exact Sciences
Classification: Likely benign for TTN-related condition. Last evaluated: 2025-07-28. Review status: criteria provided, single submitter. Criteria: ACMG Guidelines, 2015. Collection method: clinical testing. Allele origin: germline.
Comment: This variant is classified as likely benign based on ACMG/AMP sequence variant interpretation guidelines (Richards et al. 2015 PMID: 25741868, with internal and published modifications).

CHEO Genetics Diagnostic Laboratory, Children's Hospital of Eastern Ontario
Classification: Benign for Cardiomyopathy. Last evaluated: 2021-09-01. Review status: criteria provided, single submitter. Criteria: ACMG Guidelines, 2015. Collection method: clinical testing. Allele origin: germline.

Center for Advanced Laboratory Medicine, UC San Diego Health, University of California San Diego
Classification: Likely benign for Cardiomyopathy. Last evaluated: 2018-10-02. Review status: criteria provided, single submitter. Criteria: ACMG Guidelines, 2015. Collection method: clinical testing. Allele origin: germline. Affected: yes. Observed: 1 variant allele.

Genetic Services Laboratory, University of Chicago
Classification: Uncertain significance. Last evaluated: 2015-04-22. Review status: criteria provided, single submitter. Criteria: ACMG Guidelines, 2015. Collection method: clinical testing. Allele origin: germline.

GeneDx
Classification: Uncertain significance. Last evaluated: 2014-04-19. Review status: criteria provided, single submitter. Criteria: GeneDx Variant Classification (06012015). Collection method: clinical testing. Allele origin: germline. Affected: yes.
Comment: Missense variants in the TTN gene are considered 'unclassified' if they are not previously reported in the literature and do not have >1% frequency in the population to be considered a polymorphism. Research indicates that truncating mutations in the TTN gene are expected to account for approximately 25% of familial and 18% of sporadic idiopathic DCM; however, truncating variants in the TTN gene have been reported in approximately 3% of reported control alleles. There has been little investigation into non-truncating variants. (Herman D et al. Truncations of titin causing dilated cardiomyopathy. N Eng J Med 366:619-628, 2012) The variant is found in CARDIOMYOPATHY panel(s).

Clinical Genetics DNA and cytogenetics Diagnostics Lab, Erasmus MC, Erasmus Medical Center
Classification: Likely benign. Review status: no assertion criteria provided. Collection method: clinical testing. Allele origin: germline. Affected: yes. Study: VKGL Data-share Consensus. Not counted in ClinVar's aggregate classification.

Clinical Genetics, Academic Medical Center
Classification: Likely benign. Review status: no assertion criteria provided. Collection method: clinical testing. Allele origin: germline. Affected: yes. Study: VKGL Data-share Consensus. Not counted in ClinVar's aggregate classification.